The following is an entry in ClinVar:

ClinVar aggregate classification (germline): Benign. Review status: criteria provided, multiple submitters, no conflicts (2 of 4 stars). 9 submissions from 9 submitters: Benign (6). 3 of the submissions do not count toward it. Last evaluated 2026-02-04.

Conditions:
Dilated cardiomyopathy 2B. Identifiers: Orphanet 154, MedGen C3553409, MONDO:0013848, OMIM 614672.
Hypertrophic cardiomyopathy 2. Also called: TNNT2-Related Familial Hypertrophic Cardiomyopathy. Identifiers: MedGen C1861864, MONDO:0007266, OMIM 115195.

Allele frequency attached by ClinVar (database versions not stated): 1000 Genomes Project 0.00699; 1000 Genomes Project 30x 0.00703; gnomAD 0.00981 and 0.01014; TOPMed 0.00982; ESP Exome Variant Server 0.01084; gnomAD exomes 0.01088 and 0.01532; ExAC 0.01115.
gnomAD v4.1: 23,735 of 1,611,378 alleles (1.5%); highest among the groups gnomAD compares: Middle Eastern, 1.9%; 234 homozygotes.

Submissions (9):

Labcorp Genetics (formerly Invitae), Labcorp
Classification: Benign for Dilated cardiomyopathy 2B. Last evaluated: 2026-02-04. Review status: criteria provided, single submitter. Criteria: Invitae Variant Classification Sherloc (09022015). Collection method: clinical testing. Allele origin: germline.

Blueprint Genetics
Classification: Benign. Last evaluated: 2024-11-27. Review status: criteria provided, single submitter. Criteria: ACMG Guidelines, 2015. Collection method: clinical testing. Allele origin: germline.

ARUP Laboratories, Molecular Genetics and Genomics, ARUP Laboratories
Classification: Benign for Dilated cardiomyopathy 2B. Last evaluated: 2023-10-06. Review status: criteria provided, single submitter. Criteria: ARUP Molecular Germline Variant Investigation Process 2024. Collection method: clinical testing. Allele origin: germline.

GeneDx
Classification: Benign. Last evaluated: 2014-01-17. Review status: criteria provided, single submitter. Criteria: GeneDx Variant Classification (06012015). Collection method: clinical testing. Allele origin: germline. Affected: yes.
Comment: This variant is considered likely benign or benign based on one or more of the following criteria: it is a conservative change, it occurs at a poorly conserved position in the protein, it is predicted to be benign by multiple in silico algorithms, and/or has population frequency not consistent with disease.

Laboratory for Molecular Medicine, Mass General Brigham Personalized Medicine
Classification: Benign. Last evaluated: 2012-03-19. Review status: criteria provided, single submitter. Criteria: LMM Criteria. Collection method: clinical testing. Allele origin: germline. Observed: 51 variant alleles.
Comment: p.Arg233Trp in Exon 05 of GATAD1: This variant is not expected to have clinical significance because it has been identified in 1.5% (107/7020) of European Ameri can chromosomes from a broad population by the NHLBI Exome Sequencing Project (dbSNP rs34768413).

Breakthrough Genomics
Classification: Benign. Review status: criteria provided, single submitter. Criteria: ACMG Guidelines, 2015. Collection method: not provided. Allele origin: germline. Inheritance: Autosomal recessive inheritance. Affected: yes.

Diagnostic Laboratory, Department of Genetics, University Medical Center Groningen
Classification: Benign. Review status: no assertion criteria provided. Collection method: clinical testing. Allele origin: germline. Affected: yes. Study: VKGL Data-share Consensus. Not counted in ClinVar's aggregate classification.

Genome Diagnostics Laboratory, University Medical Center Utrecht
Classification: Benign. Review status: no assertion criteria provided. Collection method: clinical testing. Allele origin: germline. Affected: yes. Study: VKGL Data-share Consensus. Not counted in ClinVar's aggregate classification.

Institute of Human Genetics, University of Wuerzburg
Classification: Likely benign for Hypertrophic cardiomyopathy 2. Review status: no assertion criteria provided. Collection method: clinical testing. Allele origin: unknown. Affected: yes. Observed: 1 variant allele. Not counted in ClinVar's aggregate classification.

NM_021167.5(GATAD1):c.697C>T (p.Arg233Trp)

Gene: GATAD1 (GATA zinc finger domain containing 1; plus strand). Cytogenetic location: 7q21.2.
Variant type: single nucleotide variant.
Coding change: c.697C>T on transcript NM_021167.5 (MANE Select); coding-DNA position 697, C replaced by T.
Protein change: p.Arg233Trp; replaces arginine 233 with tryptophan.
Molecular consequence: missense variant. On other transcripts: non-coding transcript variant (1).
Genome position (GRCh38, 1-based): chr7:92,456,449, C>T. VCF-style: chr7-92456449-C-T. GRCh37 (hg19) VCF-style: chr7-92085763-C-T.
Other names: p.R233W:CGG>TGG; short protein forms R233W.
Identifiers: ClinVar variation 45829 (VCV000045829.27), dbSNP rs34768413, ClinGen allele CA137120.